The following is an entry in ClinVar:

NM_004614.5(TK2):c.198C>G (p.Cys66Trp)

Gene: TK2 (thymidine kinase 2; minus strand). Cytogenetic location: 16q21.
Variant type: single nucleotide variant.
Coding change: c.198C>G on transcript NM_004614.5 (MANE Select); coding-DNA position 198, C replaced by G.
Protein change: p.Cys66Trp; replaces cysteine 66 with tryptophan.
Molecular consequence: missense variant. On other transcripts: 5 prime UTR variant (1), non-coding transcript variant (1), intron variant (1).
Genome position (GRCh38, 1-based): chr16:66,541,912, G>C on the plus strand (C>G on the coding strand, the complement: TK2 is on the minus strand). VCF-style: chr16-66541912-G-C. GRCh37 (hg19) VCF-style: chr16-66575815-G-C.
Other names: c.105C>G, p.Cys35Trp (NM_001172643.1, NM_001271935.1); c.198C>G, p.Cys66Trp (NM_001172645.2); c.51C>G, p.Cys17Trp (NM_001271934.2); c.-94C>G (NM_001272050.2); c.157-4895C>G (NM_001172644.2); short protein forms C66W, C17W, C35W.
Identifiers: ClinVar variation 3778856 (VCV003778856.2), dbSNP rs281865488.

ClinVar aggregate classification (germline): Likely pathogenic (1 of 4 stars; one submission).

Conditions:
Mitochondrial disease. Also called: Mitochondrial disorders; Mitochondrial disorder. Identifiers: Orphanet 68380, MedGen C0751651, MeSH D028361, MONDO:0044970.

gnomAD v4.1: 2 of 1,614,102 alleles (0.00012%); highest among the groups gnomAD compares: Non-Finnish European, 0.00017%; no homozygotes.

Submission:

Genomenon, Inc
Classification: Likely pathogenic for Mitochondrial disease. Last evaluated: 2025-11-24. Review status: criteria provided, single submitter. Criteria: Genomenon Sequence Variant Interpretation Standards - Updated. Collection method: curation. Allele origin: germline. Affected: yes.
Comment: TK2 p.Cys66Trp (c.198C>G) is a missense variant that changes the amino acid at residue 66 from Cysteine to Tryptophan. It is also described as C108W in the literature. This variant has been observed in a proband affected with mitochondrial disease in the compound heterozygous state and was found to segregate with disease in this family (16504786). This variant is not present at a significant frequency in gnomAD and in silico models agree that this variant is possibly or probably damaging. In conclusion, we classify TK2 p.Cys66Trp (c.198C>G) as a likely pathogenic variant.

Literature cited by the submitters: PubMed 16504786.